The following is an entry in ClinVar:

ClinVar aggregate classification (germline): Likely benign (1 of 4 stars; one submission).

gnomAD v4.1: 2 of 1,526,234 alleles (0.00013%); highest among the groups gnomAD compares: East Asian, 0.0051%; no homozygotes.

Submission:

CeGaT Center for Human Genetics Tuebingen
Classification: Likely benign. Last evaluated: 2023-01-01. Review status: criteria provided, single submitter. Criteria: CeGaT Center For Human Genetics Tuebingen Variant Classification Criteria Version 2. Collection method: clinical testing. Allele origin: germline. Affected: yes. Observed: 1 variant allele.
Comment: DIP2B: BP4, BP7

NM_173602.3(DIP2B):c.33C>G (p.Ala11=)

Gene: DIP2B (DIP2 acetate--CoA ligase B (putative); plus strand). Cytogenetic location: 12q13.12.
Variant type: single nucleotide variant.
Coding change: c.33C>G on transcript NM_173602.3 (MANE Select); coding-DNA position 33, C replaced by G.
Protein change: p.Ala11=; no amino-acid change (alanine 11 retained).
Molecular consequence: synonymous variant.
Genome position (GRCh38, 1-based): chr12:50,505,173, C>G. VCF-style: chr12-50505173-C-G. GRCh37 (hg19) VCF-style: chr12-50898956-C-G.
Identifiers: ClinVar variation 2642994 (VCV002642994.24), dbSNP rs1012751932, ClinGen allele CA479732932.
Genomic context (GRCh38, chr12:50,505,173, plus strand): 5'-CTTCCGGAGTGTGGCTGGCGGAGCTGGGATGGCGGAACGAGGCCTGGAGCCGTCGCCGGC[C>G]GCGGTGGCGGCGCTGCCGCCTGAAGTGCGGGCGCAGCTGGCGGAGCTGGAGCTGGAGCTC-3'
Protein context (NP_775873.2, residues 1-21): MAERGLEPSP[Ala11=]AVAALPPEVR